The following is an entry in ClinVar:

NM_001329943.3(KIAA0586):c.1196C>T (p.Ser399Leu)

Gene: KIAA0586 (KIAA0586; plus strand). Cytogenetic location: 14q23.1.
Variant type: single nucleotide variant.
Coding change: c.1196C>T on transcript NM_001329943.3 (MANE Select); coding-DNA position 1196, C replaced by T.
Protein change: p.Ser399Leu; replaces serine 399 with leucine.
Molecular consequence: missense variant.
Genome position (GRCh38, 1-based): chr14:58,453,416, C>T. VCF-style: chr14-58453416-C-T. GRCh37 (hg19) VCF-style: chr14-58920134-C-T.
Other names: c.1355C>T, p.Ser452Leu (NM_001244189.2); c.1151C>T, p.Ser384Leu (NM_001244190.2); c.941C>T, p.Ser314Leu (NM_001244191.2, NM_001329945.2, NM_001364700.1 and 1 more transcripts); c.1064C>T, p.Ser355Leu (NM_001244192.2); c.776C>T, p.Ser259Leu (NM_001244193.2); c.1196C>T, p.Ser399Leu (NM_001329944.2, NM_001329946.2, NM_001329947.2 and 1 more transcripts); short protein forms S399L, S259L, S355L, S384L, S314L, S452L.
Identifiers: ClinVar variation 1355655 (VCV001355655.8), dbSNP rs2140763302, ClinGen allele CA389866846.

ClinVar aggregate classification (germline): Uncertain significance (1 of 4 stars; one submission).

Conditions:
Joubert syndrome 23 (JBTS23). Identifiers: Orphanet 475, MedGen C4084822, MONDO:0014664, OMIM 616490.
Short-rib thoracic dysplasia 14 with polydactyly (SRTD14). Identifiers: Orphanet 397715, MedGen C4225286, MONDO:0014688, OMIM 616546.

Submission:

Labcorp Genetics (formerly Invitae), Labcorp
Classification: Uncertain significance for Joubert syndrome 23; Short-rib thoracic dysplasia 14 with polydactyly. Last evaluated: 2021-02-19. Review status: criteria provided, single submitter. Criteria: Invitae Variant Classification Sherloc (09022015). Collection method: clinical testing. Allele origin: germline.
Comment: This sequence change replaces serine with leucine at codon 452 of the KIAA0586 protein (p.Ser452Leu). The serine residue is moderately conserved and there is a large physicochemical difference between serine and leucine. This variant is not present in population databases (ExAC no frequency). This variant has not been reported in the literature in individuals with KIAA0586-related conditions. Algorithms developed to predict the effect of missense changes on protein structure and function output the following: SIFT: "Deleterious"; PolyPhen-2: "Benign"; Align-GVGD: "Class C0". The leucine amino acid residue is found in multiple mammalian species, suggesting that this missense change does not adversely affect protein function. These predictions have not been confirmed by published functional studies and their clinical significance is uncertain. In summary, the available evidence is currently insufficient to determine the role of this variant in disease. Therefore, it has been classified as a Variant of Uncertain Significance.